The following is an entry in ClinVar:

NM_000551.4(VHL):c.340+712G>T

Genes: VHL (von Hippel-Lindau tumor suppressor; plus strand), LOC107303340 (3p25 von Hippel-Lindau tumor suppressor, E3 ubiquitin protein ligase Alu-mediated recombination region; plus strand). Cytogenetic location: 3p25.3.
Variant type: single nucleotide variant.
Coding change: c.340+712G>T on transcript NM_000551.4 (MANE Select); 712 bases into the intron after coding-DNA position 340, G replaced by T.
Molecular consequence: intron variant. On other transcripts: missense variant (1).
Genome position (GRCh38, 1-based): chr3:10,142,899, G>T. VCF-style: chr3-10142899-G-T. GRCh37 (hg19) VCF-style: chr3-10184583-G-T.
Other names: c.477G>T, p.Trp159Cys (NM_001354723.2); c.340+712G>T (NM_198156.3); short protein forms W159C.
Identifiers: ClinVar variation 1024028 (VCV001024028.9), dbSNP rs1696161869, ClinGen allele CA1345067387.

ClinVar aggregate classification (germline): Uncertain significance (1 of 4 stars; one submission).

Conditions:
Von Hippel-Lindau syndrome (VHLS). Also called: Von Hippel-Lindau; von Hippel–Lindau syndrome; VHL syndrome. Identifiers: Orphanet 892, MedGen C0019562, MONDO:0008667, OMIM 193300. Disease mechanism: loss of function.
Chuvash polycythemia. Also called: POLYCYTHEMIA, VHL-DEPENDENT. Identifiers: Orphanet 238557, MedGen C1837915, MONDO:0009892, OMIM 263400.

Submission:

Labcorp Genetics (formerly Invitae), Labcorp
Classification: Uncertain significance for Von Hippel-Lindau syndrome; Chuvash polycythemia. Last evaluated: 2024-10-15. Review status: criteria provided, single submitter. Criteria: Invitae Variant Classification Sherloc (09022015). Collection method: clinical testing. Allele origin: germline.
Comment: This sequence change falls in intron 1 of the VHL gene. It is not expected to change the encoded amino acid sequence of the VHL protein. However, this sequence change falls within a cryptic exon in the VHL gene, known as exon E1’, which is naturally expressed at low levels in several human tissues (PMID: 29891534). This variant is not present in population databases (gnomAD no frequency). This variant has not been reported in the literature in individuals affected with VHL-related conditions. ClinVar contains an entry for this variant (Variation ID: 1024028). Experimental studies and prediction algorithms are not available or were not evaluated, and the functional significance of this variant is currently unknown. Algorithms developed to predict the effect of sequence changes on RNA splicing suggest that this variant is not likely to affect RNA splicing. In summary, the available evidence is currently insufficient to determine the role of this variant in disease. Therefore, it has been classified as a Variant of Uncertain Significance.

Literature cited by the submitters: PubMed 29891534.